The following is an entry in ClinVar:

ClinVar aggregate classification (germline): Likely benign. Review status: criteria provided, multiple submitters, no conflicts (2 of 4 stars). 2 submissions from 2 submitters: Likely benign (2). Last evaluated 2023-11-01.

Allele frequency attached by ClinVar (database versions not stated): ESP Exome Variant Server 0.00197; 1000 Genomes Project 0.00240; 1000 Genomes Project 30x 0.00265; gnomAD 0.00292; gnomAD exomes 0.00298 and 0.00312; TOPMed 0.00302; ExAC 0.00327.
gnomAD v4.1: 4,767 of 1,541,372 alleles (0.31%); highest among the groups gnomAD compares: Middle Eastern, 0.76%; 11 homozygotes.

Submissions (2):

CeGaT Center for Human Genetics Tuebingen
Classification: Likely benign. Last evaluated: 2023-11-01. Review status: criteria provided, single submitter. Criteria: CeGaT Center For Human Genetics Tuebingen Variant Classification Criteria Version 2. Collection method: clinical testing. Allele origin: germline. Affected: yes. Observed: 3 variant alleles.
Comment: DNAH14: BP4, BS2

Breakthrough Genomics
Classification: Likely benign. Review status: criteria provided, single submitter. Criteria: ACMG Guidelines, 2015. Collection method: not provided. Allele origin: germline. Inheritance: Unknown mechanism. Affected: yes.

NM_001367479.1(DNAH14):c.8689C>T (p.Arg2897Cys)

Gene: DNAH14 (dynein axonemal heavy chain 14; plus strand). Cytogenetic location: 1q42.12.
Variant type: single nucleotide variant.
Coding change: c.8689C>T on transcript NM_001367479.1 (MANE Select); coding-DNA position 8689, C replaced by T.
Protein change: p.Arg2897Cys; replaces arginine 2897 with cysteine.
Molecular consequence: missense variant.
Genome position (GRCh38, 1-based): chr1:225,303,213, C>T. VCF-style: chr1-225303213-C-T. GRCh37 (hg19) VCF-style: chr1-225490915-C-T.
Other names: short protein forms R2897C.
Identifiers: ClinVar variation 1176224 (VCV001176224.36), dbSNP rs140066130, ClinGen allele CA1416453.
Genomic context (GRCh38, chr1:225,303,213, plus strand): 5'-CAGAGAATATATAAAAATCTTCATATTTTTGTGATCATGAGTCCTGAAGGACCTAGCTTC[C>T]GCCAAAATTGTAGAGTGTATCCTTCTATGATTAGCTCCTGCACGATCGATTGGTATGAGA-3'
Protein context (NP_001354408.1, residues 2887-2907): VIMSPEGPSF[Arg2897Cys]QNCRVYPSMI